The following is an entry in ClinVar:

NM_006662.3(SRCAP):c.3868A>G (p.Ser1290Gly)

Gene: SRCAP (Snf2 related CREBBP activator protein; plus strand). Cytogenetic location: 16p11.2.
Variant type: single nucleotide variant.
Coding change: c.3868A>G on transcript NM_006662.3 (MANE Select); coding-DNA position 3868, A replaced by G.
Protein change: p.Ser1290Gly; replaces serine 1290 with glycine.
Molecular consequence: missense variant.
Genome position (GRCh38, 1-based): chr16:30,722,724, A>G. VCF-style: chr16-30722724-A-G. GRCh37 (hg19) VCF-style: chr16-30734045-A-G.
Other names: short protein forms S1290G.
Identifiers: ClinVar variation 218689 (VCV000218689.42), dbSNP rs150246733, ClinGen allele CA248856.

ClinVar aggregate classification (germline): Benign/Likely benign. Review status: criteria provided, multiple submitters, no conflicts (2 of 4 stars). 8 submissions from 8 submitters: Benign (2); Likely benign (6). Last evaluated 2026-05-11.

Allele frequency attached by ClinVar (database versions not stated): TOPMed 0.00093; gnomAD exomes 0.00115 and 0.00074; 1000 Genomes Project 30x 0.00016; 1000 Genomes Project 0.00020; ExAC 0.00070; ESP Exome Variant Server 0.00072; gnomAD 0.00081 and 0.00082.
gnomAD v4.1: 1,260 of 1,612,270 alleles (0.078%); highest among the groups gnomAD compares: Middle Eastern, 1.2%; 7 homozygotes.

Submissions (8):

Women's Health and Genetics/Laboratory Corporation of America, LabCorp
Classification: Likely benign. Last evaluated: 2026-05-11. Review status: criteria provided, single submitter. Criteria: LabCorp Variant Classification Summary - May 2015. Collection method: clinical testing. Allele origin: germline.

CeGaT Center for Human Genetics Tuebingen
Classification: Likely benign. Last evaluated: 2026-02-01. Review status: criteria provided, single submitter. Criteria: CeGaT Center For Human Genetics Tuebingen Variant Classification Criteria Version 2. Collection method: clinical testing. Allele origin: germline. Affected: yes. Observed: 6 variant alleles.
Comment: SRCAP: BS1

Labcorp Genetics (formerly Invitae), Labcorp
Classification: Likely benign. Last evaluated: 2026-01-18. Review status: criteria provided, single submitter. Criteria: Invitae Variant Classification Sherloc (09022015). Collection method: clinical testing. Allele origin: germline.

Blueprint Genetics
Classification: Likely benign. Last evaluated: 2024-11-12. Review status: criteria provided, single submitter. Criteria: ACMG Guidelines, 2015. Collection method: clinical testing. Allele origin: germline.

Eurofins Ntd Llc (ga)
Classification: Benign. Last evaluated: 2018-05-15. Review status: criteria provided, single submitter. Criteria: EGL ClinVar v180209 classification definitions. Collection method: clinical testing. Allele origin: germline. Observed: 1 variant allele, 1 heterozygote.

Center for Pediatric Genomic Medicine, Children's Mercy Hospital and Clinics
Classification: Likely benign. Last evaluated: 2017-05-24. Review status: criteria provided, single submitter. Criteria: ACMG Guidelines, 2015. Collection method: clinical testing. Allele origin: germline.

Genomic Diagnostic Laboratory, Division of Genomic Diagnostics, Children's Hospital of Philadelphia
Classification: Benign. Last evaluated: 2015-07-17. Review status: criteria provided, single submitter. Criteria: DGD Variant Analysis Guidelines. Collection method: clinical testing. Allele origin: unknown.

Breakthrough Genomics
Classification: Likely benign. Review status: criteria provided, single submitter. Criteria: ACMG Guidelines, 2015. Collection method: not provided. Allele origin: germline. Inheritance: Autosomal dominant inheritance. Affected: yes.